The following is an entry in ClinVar:

NM_001276270.2(MBD4):c.1249A>G (p.Asn417Asp)

Gene: MBD4 (methyl-CpG binding domain 4, DNA glycosylase; minus strand). Cytogenetic location: 3q21.3.
Variant type: single nucleotide variant.
Coding change: c.1249A>G on transcript NM_001276270.2 (MANE Select); coding-DNA position 1249, A replaced by G.
Protein change: p.Asn417Asp; replaces asparagine 417 with aspartic acid.
Molecular consequence: missense variant.
Genome position (GRCh38, 1-based): chr3:129,434,071, T>C on the plus strand (A>G on the coding strand, the complement: MBD4 is on the minus strand). VCF-style: chr3-129434071-T-C. GRCh37 (hg19) VCF-style: chr3-129152914-T-C.
Other names: c.1267A>G, p.Asn423Asp (NM_001276271.2, NM_001276272.2, NM_003925.3); c.313A>G, p.Asn105Asp (NM_001276273.2); short protein forms N105D, N417D, N423D.
Identifiers: ClinVar variation 2878375 (VCV002878375.4), dbSNP rs2072409427, ClinGen allele CA354466166.

ClinVar aggregate classification (germline): Uncertain significance. Review status: criteria provided, multiple submitters, no conflicts (2 of 4 stars). 2 submissions from 2 submitters: Uncertain significance (2). Last evaluated 2025-09-24.

Conditions:
Inborn genetic diseases. Identifiers: MedGen C0950123, MeSH D030342.

Submissions (2):

Labcorp Genetics (formerly Invitae), Labcorp
Classification: Uncertain significance. Last evaluated: 2025-09-24. Review status: criteria provided, single submitter. Criteria: Invitae Variant Classification Sherloc (09022015). Collection method: clinical testing. Allele origin: germline.
Comment: This sequence change replaces asparagine, which is neutral and polar, with aspartic acid, which is acidic and polar, at codon 423 of the MBD4 protein (p.Asn423Asp). This variant is not present in population databases (gnomAD no frequency). This variant has not been reported in the literature in individuals affected with MBD4-related conditions. ClinVar contains an entry for this variant (Variation ID: 2878375). An algorithm developed to predict the effect of missense changes on protein structure and function (PolyPhen-2) suggests that this variant is likely to be disruptive. In summary, the available evidence is currently insufficient to determine the role of this variant in disease. Therefore, it has been classified as a Variant of Uncertain Significance.

Ambry Genetics
Classification: Uncertain significance for Inborn genetic diseases. Last evaluated: 2024-11-21. Review status: criteria provided, single submitter. Criteria: Ambry Variant Classification Scheme 2023. Collection method: clinical testing. Allele origin: germline.
Comment: The p.N417D variant (also known as c.1249A>G), located in coding exon 4 of the MBD4 gene, results from an A to G substitution at nucleotide position 1249. The asparagine at codon 417 is replaced by aspartic acid, an amino acid with highly similar properties. This amino acid position is conserved. In addition, this alteration is predicted to be tolerated by in silico analysis. Based on the available evidence, the clinical significance of this variant remains unclear.